The following is an entry in ClinVar:

ClinVar aggregate classification (germline): Likely pathogenic. Review status: criteria provided, single submitter (1 of 4 stars). 2 submissions from 2 submitters: Likely pathogenic (1). 1 of the submissions does not count toward it. Last evaluated 2023-01-01.

Conditions:
Bardet-Biedl syndrome (BBS). Identifiers: Orphanet 110, MedGen C0752166, MONDO:0015229.

Submissions (2):

Labcorp Genetics (formerly Invitae), Labcorp
Classification: Likely pathogenic for Bardet-Biedl syndrome. Last evaluated: 2023-01-01. Review status: criteria provided, single submitter. Criteria: Invitae Variant Classification Sherloc (09022015). Collection method: clinical testing. Allele origin: germline.
Comment: In summary, the currently available evidence indicates that the variant is pathogenic, but additional data are needed to prove that conclusively. Therefore, this variant has been classified as Likely Pathogenic. Algorithms developed to predict the effect of sequence changes on RNA splicing suggest that this variant may disrupt the consensus splice site. ClinVar contains an entry for this variant (Variation ID: 266088). Disruption of this splice site has been observed in individual(s) with clinical features of Bardet-Biedl syndrome (PMID: 27894351, 32552793). This variant is not present in population databases (gnomAD no frequency). This sequence change affects a donor splice site in intron 19 of the BBS9 gene. It is expected to disrupt RNA splicing. Variants that disrupt the donor or acceptor splice site typically lead to a loss of protein function (PMID: 16199547), and loss-of-function variants in BBS9 are known to be pathogenic (PMID: 16380913, 20177705).

Genomic Medicine Center of Excellence, King Faisal Specialist Hospital and Research Centre
Classification: Pathogenic for Bardet-Biedl syndrome. Review status: no assertion criteria provided. Collection method: research. Allele origin: germline. Affected: yes. Observed: 1 homozygote. Not counted in ClinVar's aggregate classification.

Literature cited by the submitters: PubMed 27894351 (cited by Labcorp Genetics (formerly Invitae), Labcorp); PubMed 32552793 (cited by Labcorp Genetics (formerly Invitae), Labcorp); PubMed 16199547 (cited by Labcorp Genetics (formerly Invitae), Labcorp); PubMed 16380913 (cited by Labcorp Genetics (formerly Invitae), Labcorp); PubMed 20177705 (cited by Labcorp Genetics (formerly Invitae), Labcorp).

NM_198428.3(BBS9):c.2115+1G>A

Gene: BBS9 (Bardet-Biedl syndrome 9; plus strand). Cytogenetic location: 7p14.3.
Variant type: single nucleotide variant.
Coding change: c.2115+1G>A on transcript NM_198428.3 (MANE Select); the canonical splice donor site of the intron after coding-DNA position 2115, G replaced by A.
Molecular consequence: splice donor variant.
Genome position (GRCh38, 1-based): chr7:33,388,145, G>A. VCF-style: chr7-33388145-G-A. GRCh37 (hg19) VCF-style: chr7-33427757-G-A.
Other names: c.2100+1G>A (NM_001033605.2); c.2010+1G>A (NM_001033604.2); c.1995+1G>A (NM_014451.4, NM_001348040.3); c.1749+1G>A (NM_001348037.3, NM_001348045.3, NM_001348046.3); c.1980+1G>A (NM_001348042.3); c.1644+1G>A (NM_001348044.3); c.2115+1G>A (NM_001348041.4, NM_001348043.3, NM_001348036.1 and 1 more transcripts); c.1842+1G>A (NM_001348038.3); and 1 more.
Identifiers: ClinVar variation 266088 (VCV000266088.4), dbSNP rs886039801, ClinGen allele CA10588964.